The following is an entry in ClinVar:

ClinVar aggregate classification (germline): Conflicting classifications of pathogenicity. Review status: criteria provided, conflicting classifications (1 of 4 stars). 2 submissions from 2 submitters: Uncertain significance (1); Likely benign (1). Last evaluated 2023-01-20.

Conditions:
Neuropathy, hereditary sensory and autonomic, type 1A (HSAN1A). Also called: SPTLC1-Related Hereditary Sensory Neuropathy; NEUROPATHY, HEREDITARY SENSORY AND AUTONOMIC, TYPE IA; HSAN IA; HSN IA; NEUROPATHY, HEREDITARY SENSORY RADICULAR, AUTOSOMAL DOMINANT, TYPE 1A. Identifiers: MedGen C5235211, MONDO:0008086, OMIM 162400.
Hereditary sensory and autonomic neuropathy type 1 (HSAN1). Also called: HSAN 1; HSN Type I; Hereditary Sensory Neuropathy Type I. Identifiers: Orphanet 36386, MedGen C0020071, MONDO:0018213.

Allele frequency attached by ClinVar (database versions not stated): TOPMed 0.00001; gnomAD 0.00002; ExAC 0.00003; gnomAD exomes 0.00003.
gnomAD v4.1: 25 of 1,575,560 alleles (0.0016%); highest among the groups gnomAD compares: Admixed American, 0.0067%; no homozygotes.

Submissions (2):

Labcorp Genetics (formerly Invitae), Labcorp
Classification: Uncertain significance for Hereditary sensory and autonomic neuropathy type 1. Last evaluated: 2023-01-20. Review status: criteria provided, single submitter. Criteria: Invitae Variant Classification Sherloc (09022015). Collection method: clinical testing. Allele origin: germline.
Comment: This sequence change falls in intron 2 of the SPTLC1 gene. It does not directly change the encoded amino acid sequence of the SPTLC1 protein. It affects a nucleotide within the consensus splice site. This variant is present in population databases (rs750680286, gnomAD 0.01%). In summary, the available evidence is currently insufficient to determine the role of this variant in disease. Therefore, it has been classified as a Variant of Uncertain Significance. Variants that disrupt the consensus splice site are a relatively common cause of aberrant splicing (PMID: 17576681, 9536098). Algorithms developed to predict the effect of sequence changes on RNA splicing suggest that this variant is not likely to affect RNA splicing. ClinVar contains an entry for this variant (Variation ID: 860758). This variant has not been reported in the literature in individuals affected with SPTLC1-related conditions.

Illumina Laboratory Services, Illumina
Classification: Likely benign for Neuropathy, hereditary sensory and autonomic, type 1A. Last evaluated: 2018-01-13. Review status: criteria provided, single submitter. Criteria: ICSL Variant Classification Criteria 13 December 2019. Collection method: clinical testing. Allele origin: germline.
Comment: This variant was observed in the ICSL laboratory as part of a predisposition screen in an ostensibly healthy population. It had not been previously curated by ICSL or reported in the Human Gene Mutation Database (HGMD: prior to June 1st, 2018), and was therefore a candidate for classification through an automated scoring system. Utilizing variant allele frequency, disease prevalence and penetrance estimates, and inheritance mode, an automated score was calculated to assess if this variant is too frequent to cause the disease. Based on the score and internal cut-off values, a variant classified as likely benign is not then subjected to further curation. The score for this variant resulted in a classification of likely benign for this disease.

Literature cited by the submitters: PubMed 17576681 (cited by Labcorp Genetics (formerly Invitae), Labcorp); PubMed 9536098 (cited by Labcorp Genetics (formerly Invitae), Labcorp).

NM_006415.4(SPTLC1):c.165+4C>T

Gene: SPTLC1 (serine palmitoyltransferase long chain base subunit 1; minus strand). Cytogenetic location: 9q22.31.
Variant type: single nucleotide variant.
Coding change: c.165+4C>T on transcript NM_006415.4 (MANE Select); 4 bases into the intron after coding-DNA position 165, C replaced by T.
Molecular consequence: intron variant.
Genome position (GRCh38, 1-based): chr9:92,112,451, G>A on the plus strand (C>T on the coding strand, the complement: SPTLC1 is on the minus strand). VCF-style: chr9-92112451-G-A. GRCh37 (hg19) VCF-style: chr9-94874733-G-A.
Other names: c.165+4C>T (NM_001281303.2, NM_178324.3); c.-335+4C>T (NM_001368272.1); c.-301+4C>T (NM_001368273.1).
Identifiers: ClinVar variation 860758 (VCV000860758.14), dbSNP rs750680286, ClinGen allele CA5121669.